The following is an entry in ClinVar:

NM_002524.5(NRAS):c.490C>T (p.Arg164Cys)

Gene: NRAS (NRAS proto-oncogene, GTPase; minus strand). Cytogenetic location: 1p13.2.
Variant type: single nucleotide variant.
Coding change: c.490C>T on transcript NM_002524.5 (MANE Select); coding-DNA position 490, C replaced by T.
Protein change: p.Arg164Cys; replaces arginine 164 with cysteine.
Molecular consequence: missense variant.
Genome position (GRCh38, 1-based): chr1:114,708,615, G>A on the plus strand (C>T on the coding strand, the complement: NRAS is on the minus strand). VCF-style: chr1-114708615-G-A. GRCh37 (hg19) VCF-style: chr1-115251236-G-A.
Other names: short protein forms R164C.
Identifiers: ClinVar variation 1064816 (VCV001064816.13), dbSNP rs1658971260, ClinGen allele CA341738742.
Genomic context (GRCh38, chr1:114,708,615, plus strand): 5'-ATCCCATACAACCCTGAGTCCCATCATCACTGCTGTTGAGTTTTTTCATTCGGTACTGGC[G>A]TATTTCTCTTACCAGTGTGTAAAAAGCATCTTCAACACCCTATAAAAGGAAAAAATGAAA-3'
Protein context (NP_002515.1, residues 154-174): DAFYTLVREI[Arg164Cys]QYRMKKLNSS

ClinVar aggregate classification (germline): Conflicting classifications of pathogenicity. Review status: criteria provided, conflicting classifications (1 of 4 stars). 2 submissions from 2 submitters: Uncertain significance (1); Likely benign (1). Last evaluated 2024-03-03.

Conditions:
RASopathy. Also called: rasopathies; Noonan spectrum disorder. Identifiers: Orphanet 536391, MedGen C5555857, MONDO:0021060.
Neurodevelopmental disorder. Identifiers: MedGen C1535926, MeSH D065886, MONDO:0700092.

Allele frequency attached by ClinVar (database versions not stated): gnomAD exomes below 0.00001; TOPMed below 0.00001; gnomAD 0.00001.
gnomAD v4.1: 5 of 1,611,952 alleles (0.00031%); highest among the groups gnomAD compares: Non-Finnish European, 0.00042%; no homozygotes.

Submissions (2):

Labcorp Genetics (formerly Invitae), Labcorp
Classification: Uncertain significance for RASopathy. Last evaluated: 2024-03-03. Review status: criteria provided, single submitter. Criteria: Invitae Variant Classification Sherloc (09022015). Collection method: clinical testing. Allele origin: germline.
Comment: This sequence change replaces arginine, which is basic and polar, with cysteine, which is neutral and slightly polar, at codon 164 of the NRAS protein (p.Arg164Cys). This variant is not present in population databases (gnomAD no frequency). This variant has not been reported in the literature in individuals affected with NRAS-related conditions. ClinVar contains an entry for this variant (Variation ID: 1064816). Advanced modeling of protein sequence and biophysical properties (such as structural, functional, and spatial information, amino acid conservation, physicochemical variation, residue mobility, and thermodynamic stability) performed at Invitae indicates that this missense variant is expected to disrupt NRAS protein function with a positive predictive value of 95%. In summary, the available evidence is currently insufficient to determine the role of this variant in disease. Therefore, it has been classified as a Variant of Uncertain Significance.

Laboratory of Molecular Genetics (Pr. Bezieau's lab), CHU de Nantes
Classification: Likely benign for Neurodevelopmental disorder. Last evaluated: 2021-01-19. Review status: criteria provided, single submitter. Criteria: ACMG Guidelines, 2015. Collection method: clinical testing. Allele origin: germline. Affected: yes.